The following is an entry in ClinVar:

ClinVar aggregate classification (germline): Uncertain significance (1 of 4 stars; one submission).

Conditions:
Brugada syndrome. Also called: Sudden unexplained nocturnal death syndrome; Sudden Unexplained Death Syndrome; Sudden Unexplained Nocturnal Death Syndrome (SUNDS); Sudden unexpected nocturnal death syndrome. Identifiers: Orphanet 130, MedGen C1142166, MONDO:0015263.

Submission:

Labcorp Genetics (formerly Invitae), Labcorp
Classification: Uncertain significance for Brugada syndrome. Last evaluated: 2020-03-22. Review status: criteria provided, single submitter. Criteria: Invitae Variant Classification Sherloc (09022015). Collection method: clinical testing. Allele origin: germline.
Comment: This variant results in a copy number gain of the genomic region encompassing exons 1-2 of the CACNA2D1 gene, which includes the initiator codon. The 5' end of this event is unknown as it extends beyond the assayed region for this gene and therefore may encompass additional genes. The 3' boundary is likely confined to intron 2 of the CACNA2D1 gene. As the precise location of this event is unknown, it may be in tandem or it may be located elsewhere in the genome. This variant has not been reported in the literature in individuals with CACNA2D1-related conditions. Experimental studies and prediction algorithms are not available or were not evaluated, and the functional significance of this variant is currently unknown. In summary, the available evidence is currently insufficient to determine the role of this variant in disease. Therefore, it has been classified as a Variant of Uncertain Significance.

NC_000007.13:g.(?_81978874)_(82072785_?)dup

Gene: CACNA2D1 (calcium voltage-gated channel auxiliary subunit alpha2delta 1; minus strand). Cytogenetic location: 7q21.11.
Variant type: Duplication.
Identifiers: ClinVar variation 999126 (VCV000999126.1).